The following is an entry in ClinVar:

NM_000368.5(TSC1):c.1580_1581del (p.Gln527fs)

Gene: TSC1 (TSC complex subunit 1; minus strand). Cytogenetic location: 9q34.13.
Variant type: Deletion.
Coding change: c.1580_1581del on transcript NM_000368.5 (MANE Select); coding-DNA positions 1580 to 1581, 2 bases deleted (AG; older notation c.1580_1581delAG).
Protein change: p.Gln527fs; shifts the reading frame from glutamine 527.
Molecular consequence: frameshift variant.
Genome position (GRCh38, 1-based): chr9:132,905,997-132,905,998, CT deleted on the plus strand (AG on the coding strand, the reverse complement: TSC1 is on the minus strand). VCF-style (leftmost placement, unchanged base first): chr9-132905996-CCT-C. GRCh37 (hg19) VCF-style: chr9-135781383-CCT-C.
Other names: c.1577_1578del, p.Gln526fs (NM_001162426.2); c.1427_1428del, p.Gln476fs (NM_001162427.2); c.1217_1218del, p.Gln406fs (NM_001362177.2); short protein forms Q406fs, Q526fs, Q476fs, Q527fs.
Identifiers: ClinVar variation 48805 (VCV000048805.38), dbSNP rs118203550, ClinGen allele CA005077.
Genomic context (GRCh38, chr9:132,905,996, plus strand): 5'-GTGTGTCAGGCCCAAGCTTGTCCAGGGAGGAGTGTAAAGGCTCAGGGTTCACGCTGGCGC[CCT>C]GAGAACTGGAGGCTGCCGAGTGGGTCTTCCGCTGAGAACCTGGGAGACTGTCTCGGTAAA-3'

ClinVar aggregate classification (germline): Pathogenic. Review status: criteria provided, multiple submitters, no conflicts (2 of 4 stars). 5 submissions from 5 submitters: Pathogenic (4). 1 of the submissions does not count toward it. Last evaluated 2024-06-29.

Conditions:
Tuberous sclerosis syndrome (TSC). Also called: Tuberous Sclerosis Complex; Tuberous sclerosis. Identifiers: Orphanet 805, MedGen C0041341, MONDO:0001734.
Tuberous sclerosis 1 (TSC1). Identifiers: Orphanet 805, MedGen C1854465, MONDO:0008612, OMIM 191100.

Submissions (5):

Labcorp Genetics (formerly Invitae), Labcorp
Classification: Pathogenic for Tuberous sclerosis 1. Last evaluated: 2024-06-29. Review status: criteria provided, single submitter. Criteria: Invitae Variant Classification Sherloc (09022015). Collection method: clinical testing. Allele origin: germline.
Comment: This sequence change creates a premature translational stop signal (p.Gln527Argfs*7) in the TSC1 gene. It is expected to result in an absent or disrupted protein product. Loss-of-function variants in TSC1 are known to be pathogenic (PMID: 10227394, 17304050). This variant is not present in population databases (gnomAD no frequency). This premature translational stop signal has been observed in individual(s) with tuberous sclerosis (PMID: 9242607, 9328481). This variant is also known as 1801delAG. ClinVar contains an entry for this variant (Variation ID: 48805). For these reasons, this variant has been classified as Pathogenic.

CeGaT Center for Human Genetics Tuebingen
Classification: Pathogenic. Last evaluated: 2023-06-01. Review status: criteria provided, single submitter. Criteria: CeGaT Center For Human Genetics Tuebingen Variant Classification Criteria Version 2. Collection method: clinical testing. Allele origin: germline. Affected: yes. Observed: 1 variant allele.
Comment: TSC1: PVS1, PM2, PS4:Moderate

Genome-Nilou Lab
Classification: Pathogenic for Tuberous sclerosis 1. Last evaluated: 2021-11-07. Review status: criteria provided, single submitter. Criteria: ACMG Guidelines, 2015. Collection method: clinical testing. Allele origin: germline. Affected: no.

Athena Diagnostics
Classification: Pathogenic for Tuberous sclerosis 1. Last evaluated: 2015-08-05. Review status: criteria provided, single submitter. Criteria: Athena Diagnostics Criteria. Collection method: clinical testing. Allele origin: germline. Inheritance: Autosomal dominant inheritance.

Tuberous sclerosis database (TSC1)
No classification provided. Condition: TSC. Review status: no classification provided. Criteria: Tuberous Sclerosis Database Assertion Criteria 2015. Collection method: curation. Allele origin: germline. Affected: yes. Not counted in ClinVar's aggregate classification.

Literature cited by the submitters: PubMed 10227394 (cited by Labcorp Genetics (formerly Invitae), Labcorp); PubMed 17304050 (cited by Labcorp Genetics (formerly Invitae), Labcorp); PubMed 9242607 (cited by Labcorp Genetics (formerly Invitae), Labcorp and Athena Diagnostics); PubMed 9328481 (cited by Labcorp Genetics (formerly Invitae), Labcorp and Athena Diagnostics).